The following is an entry in ClinVar:

NM_000784.4(CYP27A1):c.1202C>G (p.Pro401Arg)

Gene: CYP27A1 (cytochrome P450 family 27 subfamily A member 1; plus strand). Cytogenetic location: 2q35.
Variant type: single nucleotide variant.
Coding change: c.1202C>G on transcript NM_000784.4 (MANE Select); coding-DNA position 1202, C replaced by G.
Protein change: p.Pro401Arg; replaces proline 401 with arginine.
Molecular consequence: missense variant.
Genome position (GRCh38, 1-based): chr2:218,814,397, C>G. VCF-style: chr2-218814397-C-G. GRCh37 (hg19) VCF-style: chr2-219679120-C-G.
Other names: c.1202C>G; short protein forms P401R.
Identifiers: ClinVar variation 65836 (VCV000065836.3), dbSNP rs587778780, ClinGen allele CA345165.

ClinVar aggregate classification (germline): Pathogenic (0 of 4 stars; one submission).

Conditions:
Cholestanol storage disease (CTX). Also called: CEREBRAL CHOLESTERINOSIS; Cerebrotendinous Xanthomatosis; CTX: Cerebrotendinous xanthomatosis. Identifiers: Orphanet 909, MedGen C0238052, MONDO:0008948, OMIM 213700.

Submission:

GeneReviews
Classification: Pathogenic for Cerebrotendinous Xanthomatosis. Last evaluated: 2013-08-01. Review status: no assertion criteria provided. Collection method: curation. Allele origin: unknown.
ClinVar note: Converted during submission from pathologic to Pathogenic.